The following is an entry in ClinVar:

ClinVar aggregate classification (germline): Uncertain significance (1 of 4 stars; one submission).

Submission:

Labcorp Genetics (formerly Invitae), Labcorp
Classification: Uncertain significance. Last evaluated: 2021-08-26. Review status: criteria provided, single submitter. Criteria: Invitae Variant Classification Sherloc (09022015). Collection method: clinical testing. Allele origin: germline.
Comment: In summary, the available evidence is currently insufficient to determine the role of this variant in disease. Therefore, it has been classified as a Variant of Uncertain Significance. Algorithms developed to predict the effect of missense changes on protein structure and function (SIFT, PolyPhen-2, Align-GVGD) all suggest that this variant is likely to be disruptive. This variant has not been reported in the literature in individuals affected with PPP2CA-related conditions. This variant is not present in population databases (ExAC no frequency). This sequence change replaces leucine with glutamine at codon 39 of the PPP2CA protein (p.Leu39Gln). The leucine residue is highly conserved and there is a moderate physicochemical difference between leucine and glutamine.

NM_002715.4(PPP2CA):c.116T>A (p.Leu39Gln)

Gene: PPP2CA (protein phosphatase 2 catalytic subunit alpha; minus strand). Cytogenetic location: 5q31.1.
Variant type: single nucleotide variant.
Coding change: c.116T>A on transcript NM_002715.4 (MANE Select); coding-DNA position 116, T replaced by A.
Protein change: p.Leu39Gln; replaces leucine 39 with glutamine.
Molecular consequence: missense variant. On other transcripts: 5 prime UTR variant (1), non-coding transcript variant (1).
Genome position (GRCh38, 1-based): chr5:134,206,118, A>T on the plus strand (T>A on the coding strand, the complement: PPP2CA is on the minus strand). VCF-style: chr5-134206118-A-T. GRCh37 (hg19) VCF-style: chr5-133541809-A-T.
Other names: c.-80T>A (NM_001355019.2); short protein forms L39Q.
Identifiers: ClinVar variation 1377729 (VCV001377729.6), dbSNP rs2149384619, ClinGen allele CA360994348.